The following is an entry in ClinVar:

ClinVar aggregate classification (germline): Likely pathogenic (0 of 4 stars; one submission).

Conditions:
Nephrotic syndrome. Identifiers: MedGen C0027726, MONDO:0005377, HP:0000100.

Submission:

Sydney Genome Diagnostics, Children's Hospital Westmead
Classification: Likely pathogenic for Nephrotic syndrome. Last evaluated: 2018-05-30. Review status: no assertion criteria provided. Collection method: clinical testing. Allele origin: unknown. Affected: yes. Observed: 1 variant allele, 1 heterozygote.
Comment: This variant creates a frameshift starting at position 53 with the new reading frame ending in a stop codon 7 positions downstream (p.Ser53Cysfs*7). To our knowledge, this variant has not been previously reported to be a disease causing variant and it has not been reported in the ExAC allele frequency database. Other truncating variants downstream of this amino acid have been described in the COL4A4 database. This variant is considered to be pathogenic according to the ACMG guidelines.

NM_000092.5(COL4A4):c.158_159del (p.Ser53fs)

Gene: COL4A4 (collagen type IV alpha 4 chain; minus strand). Cytogenetic location: 2q36.3.
Variant type: Microsatellite.
Coding change: c.158_159del on transcript NM_000092.5 (MANE Select); coding-DNA positions 158 to 159, 2 bases deleted (CT; older notation c.158_159delCT).
Protein change: p.Ser53fs; shifts the reading frame from serine 53.
Molecular consequence: frameshift variant.
Genome position (GRCh38, 1-based): chr2:227,140,194-227,140,195, AG deleted on the plus strand (CT on the coding strand, the reverse complement: COL4A4 is on the minus strand); deleting any 2 consecutive bases within chr2:227,140,194-227,140,197 gives the same sequence; the c. name uses the placement nearest the transcript's 3' end. VCF-style (leftmost placement, unchanged base first): chr2-227140193-CAG-C. GRCh37 (hg19) VCF-style: chr2-228004909-CAG-C.
Other names: short protein forms S53fs.
Identifiers: ClinVar variation 988181 (VCV000988181.1), dbSNP rs2063103741, ClinGen allele CA1332784890.
Genomic context (GRCh38, chr2:227,140,193, plus strand): 5'-TGCCCATGTTGGTCTTTACATCACTTACCCGAGACCCCTTTTCAGGAACACAGTGGCAAA[CAG>C]AGCAATCTCTTCCTCCACAAGGACCAATGTATTTCTTTCCACTCTGGAAAGTGAAGCATC-3'